The following is an entry in ClinVar:

NM_003504.5(CDC45):c.476G>A (p.Arg159Gln)

Gene: CDC45 (cell division cycle 45; plus strand). Cytogenetic location: 22q11.21.
Variant type: single nucleotide variant.
Coding change: c.476G>A on transcript NM_003504.5 (MANE Select); coding-DNA position 476, G replaced by A.
Protein change: p.Arg159Gln; replaces arginine 159 with glutamine.
Molecular consequence: missense variant. On other transcripts: non-coding transcript variant (1).
Genome position (GRCh38, 1-based): chr22:19,483,995, G>A. VCF-style: chr22-19483995-G-A. GRCh37 (hg19) VCF-style: chr22-19471518-G-A.
Other names: c.476G>A, p.Arg159Gln (NM_001178010.2); c.338G>A, p.Arg113Gln (NM_001178011.2); c.440G>A, p.Arg147Gln (NM_001369291.1); short protein forms R113Q, R147Q, R159Q.
Identifiers: ClinVar variation 1024984 (VCV001024984.9), dbSNP rs769448408, ClinGen allele CA322096076.

ClinVar aggregate classification (germline): Uncertain significance (1 of 4 stars; one submission).

Allele frequency attached by ClinVar (database versions not stated): TOPMed 0.00003.
gnomAD v4.1: 25 of 1,600,154 alleles (0.0016%); highest among the groups gnomAD compares: Non-Finnish European, 0.002%; no homozygotes.

Submission:

Labcorp Genetics (formerly Invitae), Labcorp
Classification: Uncertain significance. Last evaluated: 2020-01-27. Review status: criteria provided, single submitter. Criteria: Invitae Variant Classification Sherloc (09022015). Collection method: clinical testing. Allele origin: germline.
Comment: This sequence change replaces arginine with glutamine at codon 159 of the CDC45 protein (p.Arg159Gln). The arginine residue is highly conserved and there is a small physicochemical difference between arginine and glutamine. This variant is not present in population databases (ExAC no frequency). This variant has not been reported in the literature in individuals with CDC45-related conditions. Algorithms developed to predict the effect of missense changes on protein structure and function are either unavailable or do not agree on the potential impact of this missense change (SIFT: "Deleterious"; PolyPhen-2: "Probably Damaging"; Align-GVGD: "Class C0"). In summary, the available evidence is currently insufficient to determine the role of this variant in disease. Therefore, it has been classified as a Variant of Uncertain Significance.